The following is an entry in ClinVar:

NM_000059.4(BRCA2):c.3630T>C (p.Asp1210=)

Gene: BRCA2 (BRCA2 DNA repair associated; plus strand). Cytogenetic location: 13q13.1.
Variant type: single nucleotide variant.
Coding change: c.3630T>C on transcript NM_000059.4 (MANE Select); coding-DNA position 3630, T replaced by C.
Protein change: p.Asp1210=; no amino-acid change (aspartic acid 1210 retained).
Molecular consequence: synonymous variant.
Genome position (GRCh38, 1-based): chr13:32,337,985, T>C. VCF-style: chr13-32337985-T-C. GRCh37 (hg19) VCF-style: chr13-32912122-T-C.
Identifiers: ClinVar variation 186489 (VCV000186489.19), dbSNP rs786202991, ClinGen allele CA018427.

ClinVar aggregate classification (germline): Likely benign. Review status: reviewed by expert panel (3 of 4 stars). 5 submissions from 5 submitters: Likely benign (1). 4 of the submissions do not count toward it. Last evaluated 2017-06-29.

Conditions:
Hereditary cancer-predisposing syndrome. Also called: Hereditary Cancer Syndrome; Neoplastic Syndromes, Hereditary; Tumor predisposition; Hereditary neoplastic syndrome. Identifiers: Orphanet 140162, MedGen C0027672, MeSH D009386, MONDO:0015356.
Hereditary breast ovarian cancer syndrome. Also called: Hereditary breast and ovarian cancer; Hereditary breast and ovarian cancer syndrome; Breast and ovarian cancer; Hereditary breast and ovarian cancer syndrome (HBOC); Hereditary breast and/or ovarian cancer syndrome; BRCA1- and BRCA2-Associated Hereditary Breast and Ovarian Cancer. Identifiers: Orphanet 145, MedGen C0677776, MeSH D061325, MONDO:0003582. Disease mechanism: loss of function.
Breast-ovarian cancer, familial, susceptibility to, 2 (BROVCA2). Also called: BRCA2 Hereditary Breast and Ovarian Cancer. Identifiers: Orphanet 145, MedGen C2675520, MONDO:0012933, OMIM 612555. Disease mechanism: loss of function.
Malignant tumor of breast. Also called: Cancer breast; Malignant breast neoplasm. Identifiers: MedGen C0006142, MONDO:0007254. Disease mechanism: loss of function.

Allele frequency attached by ClinVar (database versions not stated): gnomAD exomes below 0.00001.
gnomAD v4.1: 2 of 1,613,494 alleles (0.00012%); no homozygotes.

Submissions (5):

Evidence-based Network for the Interpretation of Germline Mutant Alleles (ENIGMA)
Classification: Likely benign for Breast-ovarian cancer, familial, susceptibility to, 2. Last evaluated: 2017-06-29. Review status: reviewed by expert panel. Criteria: ENIGMA BRCA1/2 Classification Criteria (2017-06-29). Collection method: curation. Allele origin: germline.
Comment: Synonymous substitution variant, with low bioinformatic likelihood to result in a splicing aberration (Splicing prior probability 0.02).

Labcorp Genetics (formerly Invitae), Labcorp
Classification: Likely benign for Hereditary breast ovarian cancer syndrome. Last evaluated: 2026-01-28. Review status: criteria provided, single submitter. Criteria: Invitae Variant Classification Sherloc (09022015). Collection method: clinical testing. Allele origin: germline. Not counted in ClinVar's aggregate classification.

GeneDx
Classification: Likely benign. Last evaluated: 2018-09-11. Review status: criteria provided, single submitter. Criteria: GeneDx Variant Classification Process June 2021. Collection method: clinical testing. Allele origin: germline. Affected: yes. Not counted in ClinVar's aggregate classification.

Ambry Genetics
Classification: Likely benign for Hereditary cancer-predisposing syndrome. Last evaluated: 2014-10-09. Review status: criteria provided, single submitter. Criteria: Ambry Variant Classification Scheme 2023. Collection method: clinical testing. Allele origin: germline. Not counted in ClinVar's aggregate classification.

Department of Pathology and Laboratory Medicine, Sinai Health System
Classification: Likely benign for Malignant tumor of breast. Review status: no assertion criteria provided. Collection method: clinical testing. Allele origin: unknown. Affected: yes. Observed: 1 variant allele. Study: The Canadian Open Genetics Repository (COGR). Not counted in ClinVar's aggregate classification.
Comment: The BRCA2 p.Asp1210= variant was not identified in the literature, LOVD 3.0, or UMD-LSDB. The variant was identified in dbSNP (ID: rs786202991) â€šÃ„ÃºWith Likely benign, Uncertain significance alleleâ€šÃ„Ã¹, ClinVar (classified likely benign, reviewed by an expert panel (2017); submitters: ENIGMA, Ambry Genetics and GeneDx). The variant was also identified in control databases in 1 of 245814 chromosomes at a frequency of 0.000004 (Genome Aggregation Database Feb 27, 2017), observed in the following population: Other in 1 of 5472 chromosomes (freq: 0.0002), while not observed in the African, Latino, European Non-Finnish, Ashkenazi Jewish, East Asian, European Finnish, and South Asian populations. The variant does not result in a change of amino acid and is not located in a known consensus splice site, and 1 of 4 in silico or computational prediction software programs (SpliceSiteFinder, MaxEntScan, NNSPLICE, GeneSplicer) predict a greater than 10% difference in splicing; this is not very predictive of pathogenicity. In summary, based on the above information the clinical significance of this variant cannot be determined with certainty at this time although we would lean towards a more benign role for this variant. This variant is classified as likely benign.